The following is an entry in ClinVar:

NM_152383.5(DIS3L2):c.1006A>G (p.Ile336Val)

Gene: DIS3L2 (DIS3 like 3'-5' exoribonuclease 2; plus strand). Cytogenetic location: 2q37.1.
Variant type: single nucleotide variant.
Coding change: c.1006A>G on transcript NM_152383.5 (MANE Select); coding-DNA position 1006, A replaced by G.
Protein change: p.Ile336Val; replaces isoleucine 336 with valine.
Molecular consequence: missense variant. On other transcripts: non-coding transcript variant (2).
Genome position (GRCh38, 1-based): chr2:232,163,514, A>G. VCF-style: chr2-232163514-A-G. GRCh37 (hg19) VCF-style: chr2-233028224-A-G.
Other names: c.1006A>G, p.Ile336Val (NM_001257281.2); short protein forms I336V.
Identifiers: ClinVar variation 2714920 (VCV002714920.3), dbSNP rs2469895537, ClinGen allele CA351154275.

ClinVar aggregate classification (germline): Uncertain significance (1 of 4 stars; one submission).

Conditions:
Perlman syndrome (PRLMNS). Identifiers: Orphanet 2849, MedGen C0796113, MONDO:0009965, OMIM 267000.

Allele frequency attached by ClinVar (database versions not stated): gnomAD exomes below 0.00001.
gnomAD v4.1: 1 of 1,614,196 alleles (0.000062%); highest among the groups gnomAD compares: South Asian, 0.0011%; no homozygotes.

Submission:

Labcorp Genetics (formerly Invitae), Labcorp
Classification: Uncertain significance for Perlman syndrome. Last evaluated: 2024-01-10. Review status: criteria provided, single submitter. Criteria: Invitae Variant Classification Sherloc (09022015). Collection method: clinical testing. Allele origin: germline.
Comment: This sequence change replaces isoleucine, which is neutral and non-polar, with valine, which is neutral and non-polar, at codon 336 of the DIS3L2 protein (p.Ile336Val). This variant is not present in population databases (gnomAD no frequency). This variant has not been reported in the literature in individuals affected with DIS3L2-related conditions. Advanced modeling of protein sequence and biophysical properties (such as structural, functional, and spatial information, amino acid conservation, physicochemical variation, residue mobility, and thermodynamic stability) performed at Invitae indicates that this missense variant is not expected to disrupt DIS3L2 protein function with a negative predictive value of 80%. In summary, the available evidence is currently insufficient to determine the role of this variant in disease. Therefore, it has been classified as a Variant of Uncertain Significance.